The following is an entry in ClinVar:

NM_001267550.2(TTN):c.87179C>G (p.Ser29060Ter)

Genes: TTN-AS1 (TTN antisense RNA 1; plus strand), TTN (titin; minus strand). Cytogenetic location: 2q31.2.
Variant type: single nucleotide variant.
Coding change: c.87179C>G on transcript NM_001267550.2 (MANE Select); coding-DNA position 87179, C replaced by G.
Protein change: p.Ser29060Ter; replaces serine 29060 with a stop codon.
Molecular consequence: nonsense.
Genome position (GRCh38, 1-based): chr2:178,558,175, G>C on the plus strand (C>G on the coding strand, the complement: TTN is on the minus strand). VCF-style: chr2-178558175-G-C. GRCh37 (hg19) VCF-style: chr2-179422902-G-C.
Other names: c.82256C>G, p.Ser27419Ter (NM_001256850.1); c.59984C>G, p.Ser19995Ter (NM_003319.4); c.79475C>G, p.Ser26492Ter (NM_133378.4); c.60359C>G, p.Ser20120Ter (NM_133432.3); c.60560C>G, p.Ser20187Ter (NM_133437.4); short protein forms S26492*, S29060*, S20120*, S27419*, S19995*, S20187*.
Identifiers: ClinVar variation 2203219 (VCV002203219.4), dbSNP rs2469559691, ClinGen allele CA349538050.

ClinVar aggregate classification (germline): Likely pathogenic (1 of 4 stars; one submission).

Conditions:
Autosomal recessive limb-girdle muscular dystrophy type 2J (LGMDR10). Also called: Limb-girdle muscular dystrophy, type 2J; MUSCULAR DYSTROPHY, LIMB-GIRDLE, AUTOSOMAL RECESSIVE 10. Identifiers: Orphanet 140922, MedGen C1837342, MONDO:0012127, OMIM 608807.
Dilated cardiomyopathy 1G (CMD1G). Identifiers: Orphanet 154, MedGen C1858763, MONDO:0011400, OMIM 604145.

Submission:

Labcorp Genetics (formerly Invitae), Labcorp
Classification: Likely pathogenic for Dilated cardiomyopathy 1G; Autosomal recessive limb-girdle muscular dystrophy type 2J. Last evaluated: 2022-05-04. Review status: criteria provided, single submitter. Criteria: Invitae Variant Classification Sherloc (09022015). Collection method: clinical testing. Allele origin: germline.
Comment: This sequence change creates a premature translational stop signal (p.Ser29060*) in the TTN gene. While this is not anticipated to result in nonsense mediated decay, it is expected to disrupt the last 6932 amino acid(s) of the TTN protein. This variant is not present in population databases (gnomAD no frequency). This premature translational stop signal has been observed in individual(s) with dilated cardiomyopathy (PMID: 25163546). This variant is also known as c.C60560G (p.S20187X). This variant is located in the A band of TTN (PMID: 25589632). Truncating variants in this region are significantly overrepresented in patients affected with dilated cardiomyopathy (PMID: 25589632). Truncating variants in this region have also been reported in individuals affected with autosomal recessive centronuclear myopathy (PMID: 23975875). In summary, the currently available evidence indicates that the variant is pathogenic, but additional data are needed to prove that conclusively. Therefore, this variant has been classified as Likely Pathogenic.

Literature cited by the submitters: PubMed 25163546; PubMed 25589632; PubMed 23975875.